The following is an entry in ClinVar:

NM_001042492.3(NF1):c.2158dup (p.Arg720fs)

Gene: NF1 (neurofibromin 1; plus strand). Cytogenetic location: 17q11.2.
Variant type: Duplication.
Coding change: c.2158dup on transcript NM_001042492.3 (MANE Select); coding-DNA position 2158, one base duplicated (C; older notation c.2158dupC).
Protein change: p.Arg720fs; shifts the reading frame from arginine 720.
Molecular consequence: frameshift variant.
Genome position (GRCh38, 1-based): chr17:31,226,591, C duplicated; the last of 2 consecutive C bases (chr17:31,226,590-31,226,591); duplicating either gives the same sequence. VCF-style (leftmost placement, unchanged base first): chr17-31226589-T-TC. GRCh37 (hg19) VCF-style: chr17-29553607-T-TC.
Other names: c.2158dupC (NM_000267.3); c.2158dup, p.Arg720Profs (NM_000267.4); short protein forms R720fs.
Identifiers: ClinVar variation 652458 (VCV000652458.5), dbSNP rs1597712619, ClinGen allele CA915949735.
Genomic context (GRCh38, chr17:31,226,589, plus strand): 5'-ACACTGAAGCTGTTCTGGTTGCCATGTCCTGTTTCCGCCACCTCTGTGAGGAAGCAGATA[T>TC]CCGGTGTGGGGTGGATGAAGTGTCAGTGCATAACCTCTTGCCCAACTATAACACATTCAT-3'

ClinVar aggregate classification (germline): Pathogenic (1 of 4 stars; one submission).

Conditions:
Neurofibromatosis, type 1 (NF1). Also called: VON RECKLINGHAUSEN DISEASE; Neurofibromatosis, type I; NEUROFIBROMATOSIS, TYPE I, SOMATIC; Peripheral type neurofibromatosis. Identifiers: Orphanet 636, MedGen C0027831, MONDO:0018975, OMIM 162200. Disease mechanism: loss of function.

Submission:

Labcorp Genetics (formerly Invitae), Labcorp
Classification: Pathogenic for Neurofibromatosis, type 1. Last evaluated: 2024-08-19. Review status: criteria provided, single submitter. Criteria: Invitae Variant Classification Sherloc (09022015). Collection method: clinical testing. Allele origin: germline.
Comment: This sequence change creates a premature translational stop signal (p.Arg720Profs*6) in the NF1 gene. It is expected to result in an absent or disrupted protein product. Loss-of-function variants in NF1 are known to be pathogenic (PMID: 10712197, 23913538). This variant is not present in population databases (gnomAD no frequency). This variant has not been reported in the literature in individuals affected with NF1-related conditions. ClinVar contains an entry for this variant (Variation ID: 652458). For these reasons, this variant has been classified as Pathogenic.

Literature cited by the submitters: PubMed 10712197; PubMed 23913538.